The following is an entry in ClinVar:

NM_006521.6(TFE3):c.1130G>A (p.Ser377Asn)

Gene: TFE3 (transcription factor binding to IGHM enhancer 3; minus strand). Cytogenetic location: Xp11.23.
Variant type: single nucleotide variant.
Coding change: c.1130G>A on transcript NM_006521.6 (MANE Select); coding-DNA position 1130, G replaced by A.
Protein change: p.Ser377Asn; replaces serine 377 with asparagine.
Molecular consequence: missense variant.
Genome position (GRCh38, 1-based): chrX:49,033,471, C>T on the plus strand (G>A on the coding strand, the complement: TFE3 is on the minus strand). VCF-style: chrX-49033471-C-T. GRCh37 (hg19) VCF-style: chrX-48890986-C-T.
Other names: c.815G>A, p.Ser272Asn (NM_001282142.2); c.1130G>A (NM_006521.4); short protein forms S272N, S377N.
Identifiers: ClinVar variation 1316898 (VCV001316898.3), dbSNP rs2147770072, ClinGen allele CA412905018.

ClinVar aggregate classification (germline): Uncertain significance. Review status: criteria provided, multiple submitters, no conflicts (2 of 4 stars). 2 submissions from 2 submitters: Uncertain significance (2). Last evaluated 2025-04-10.

Conditions:
Inborn genetic diseases. Identifiers: MedGen C0950123, MeSH D030342.

Submissions (2):

Ambry Genetics
Classification: Uncertain significance for Inborn genetic diseases. Last evaluated: 2025-04-10. Review status: criteria provided, single submitter. Criteria: Ambry Variant Classification Scheme 2023. Collection method: clinical testing. Allele origin: germline.

GeneDx
Classification: Uncertain significance. Last evaluated: 2019-05-10. Review status: criteria provided, single submitter. Criteria: GeneDx Variant Classification Process June 2021. Collection method: clinical testing. Allele origin: germline. Affected: yes.
Comment: Not observed in large population cohorts (Lek et al., 2016); In silico analysis, which includes protein predictors and evolutionary conservation, supports that this variant does not alter protein structure/function; Variants in candidate genes are classified as variants of uncertain significance in accordance with ACMG guidelines (Richards et al., 2015); Has not been previously published as pathogenic or benign to our knowledge